The following is an entry in ClinVar:

NM_006828.4(ASCC3):c.3370G>A (p.Ala1124Thr)

Gene: ASCC3 (activating signal cointegrator 1 complex subunit 3; minus strand). Cytogenetic location: 6q16.3.
Variant type: single nucleotide variant.
Coding change: c.3370G>A on transcript NM_006828.4 (MANE Select); coding-DNA position 3370, G replaced by A.
Protein change: p.Ala1124Thr; replaces alanine 1124 with threonine.
Molecular consequence: missense variant.
Genome position (GRCh38, 1-based): chr6:100,647,334, C>T on the plus strand (G>A on the coding strand, the complement: ASCC3 is on the minus strand). VCF-style: chr6-100647334-C-T. GRCh37 (hg19) VCF-style: chr6-101095210-C-T.
Other names: short protein forms A1124T.
Identifiers: ClinVar variation 3378108 (VCV003378108.1).

ClinVar aggregate classification (germline): Uncertain significance (1 of 4 stars; one submission).

gnomAD v4.1: 128 of 1,613,942 alleles (0.0079%); highest among the groups gnomAD compares: African/African-American, 0.12%; 1 homozygote.

Submission:

GeneDx
Classification: Uncertain significance. Last evaluated: 2024-05-12. Review status: criteria provided, single submitter. Criteria: GeneDx Variant Classification Process June 2021. Collection method: clinical testing. Allele origin: germline. Affected: yes.
Comment: In silico analysis indicates that this missense variant does not alter protein structure/function; Has not been previously published as pathogenic or benign to our knowledge